The following is an entry in ClinVar:

ClinVar aggregate classification (germline): Uncertain significance (1 of 4 stars; one submission).

Conditions:
Familial cold autoinflammatory syndrome 2 (FCAS2). Identifiers: Orphanet 247868, MedGen C2673198, MONDO:0012724, OMIM 611762.

gnomAD v4.1: 1 of 1,614,158 alleles (0.000062%); highest among the groups gnomAD compares: Non-Finnish European, 0.000085%; no homozygotes.

Submission:

Labcorp Genetics (formerly Invitae), Labcorp
Classification: Uncertain significance for Familial cold autoinflammatory syndrome 2. Last evaluated: 2024-04-11. Review status: criteria provided, single submitter. Criteria: Invitae Variant Classification Sherloc (09022015). Collection method: clinical testing. Allele origin: germline.
Comment: This sequence change replaces leucine, which is neutral and non-polar, with valine, which is neutral and non-polar, at codon 839 of the NLRP12 protein (p.Leu839Val). This variant is not present in population databases (gnomAD no frequency). This variant has not been reported in the literature in individuals affected with NLRP12-related conditions. Advanced modeling of protein sequence and biophysical properties (such as structural, functional, and spatial information, amino acid conservation, physicochemical variation, residue mobility, and thermodynamic stability) performed at Invitae indicates that this missense variant is not expected to disrupt NLRP12 protein function with a negative predictive value of 80%. In summary, the available evidence is currently insufficient to determine the role of this variant in disease. Therefore, it has been classified as a Variant of Uncertain Significance.

NM_144687.4(NLRP12):c.2515C>G (p.Leu839Val)

Gene: NLRP12 (NLR family pyrin domain containing 12; minus strand). Cytogenetic location: 19q13.42.
Variant type: single nucleotide variant.
Coding change: c.2515C>G on transcript NM_144687.4 (MANE Select); coding-DNA position 2515, C replaced by G.
Protein change: p.Leu839Val; replaces leucine 839 with valine.
Molecular consequence: missense variant.
Genome position (GRCh38, 1-based): chr19:53,804,022, G>C on the plus strand (C>G on the coding strand, the complement: NLRP12 is on the minus strand). VCF-style: chr19-53804022-G-C. GRCh37 (hg19) VCF-style: chr19-54307276-G-C.
Other names: c.2518C>G, p.Leu840Val (NM_001277126.2); c.2515C>G, p.Leu839Val (NM_001277129.1); short protein forms L840V, L839V.
Identifiers: ClinVar variation 3648806 (VCV003648806.2).